The following is an entry in ClinVar:

ClinVar aggregate classification (germline): Pathogenic (1 of 4 stars; one submission).

Submission:

Labcorp Genetics (formerly Invitae), Labcorp
Classification: Pathogenic. Last evaluated: 2025-07-31. Review status: criteria provided, single submitter. Criteria: Invitae Variant Classification Sherloc (09022015). Collection method: clinical testing. Allele origin: germline.
Comment: This sequence change creates a premature translational stop signal (p.Lys888Argfs*26) in the MYO7A gene. It is expected to result in an absent or disrupted protein product. Loss-of-function variants in MYO7A are known to be pathogenic (PMID: 8900236, 25404053). This variant is not present in population databases (gnomAD no frequency). This variant has not been reported in the literature in individuals affected with MYO7A-related conditions. ClinVar contains an entry for this variant (Variation ID: 1452202). For these reasons, this variant has been classified as Pathogenic.

Literature cited by the submitters: PubMed 8900236; PubMed 25404053.

NM_000260.4(MYO7A):c.2661del (p.Lys888fs)

Gene: MYO7A (myosin VIIA; plus strand). Cytogenetic location: 11q13.5.
Variant type: Deletion.
Coding change: c.2661del on transcript NM_000260.4 (MANE Select); coding-DNA position 2661, one base deleted (G; older notation c.2661delG).
Protein change: p.Lys888fs; shifts the reading frame from lysine 888.
Molecular consequence: frameshift variant.
Genome position (GRCh38, 1-based): chr11:77,180,448, G deleted. VCF-style (leftmost placement, unchanged base first): chr11-77180447-AG-A. GRCh37 (hg19) VCF-style: chr11-76891493-AG-A.
Other names: c.2661del, p.Lys888fs (NM_001127180.2); c.2628del, p.Lys877fs (NM_001369365.1); short protein forms K888fs, K877fs.
Identifiers: ClinVar variation 1452202 (VCV001452202.6), dbSNP rs2135478379, ClinGen allele CA2573147746.